The following is an entry in ClinVar:

NM_001360.3(DHCR7):c.-6-4G>A

Gene: DHCR7 (7-dehydrocholesterol reductase; minus strand). Cytogenetic location: 11q13.4.
Variant type: single nucleotide variant.
Coding change: c.-6-4G>A on transcript NM_001360.3 (MANE Select); 4 bases into the intron before 6 bases upstream of the start codon, G replaced by A.
Molecular consequence: intron variant.
Genome position (GRCh38, 1-based): chr11:71,444,962, C>T on the plus strand (G>A on the coding strand, the complement: DHCR7 is on the minus strand). VCF-style: chr11-71444962-C-T. GRCh37 (hg19) VCF-style: chr11-71156008-C-T.
Other names: c.-6-4G>A (NM_001163817.2).
Identifiers: ClinVar variation 305961 (VCV000305961.7), dbSNP rs183610891, ClinGen allele CA6162736.

ClinVar aggregate classification (germline): Uncertain significance. Review status: criteria provided, single submitter (1 of 4 stars). 2 submissions from 2 submitters: Uncertain significance (1). 1 of the submissions does not count toward it. Last evaluated 2018-01-12.

Conditions:
DHCR7-related disorder. Also called: DHCR7-related condition.
Smith-Lemli-Opitz syndrome (SLOS). Also called: LETHAL ACRODYSGENITAL SYNDROME; POLYDACTYLY, SEX REVERSAL, RENAL HYPOPLASIA, AND UNILOBAR LUNG; RSH SYNDROME; RUTLEDGE LETHAL MULTIPLE CONGENITAL ANOMALY SYNDROME; 7-Dehydrocholesterol reductase deficiency. Identifiers: Orphanet 818, MedGen C0175694, MONDO:0010035, OMIM 270400.

Allele frequency attached by ClinVar (database versions not stated): gnomAD exomes 0.00006 and 0.00015; ExAC 0.00016; ESP Exome Variant Server 0.00038; TOPMed 0.00047; gnomAD 0.00052 and 0.00056; 1000 Genomes Project 0.00060; 1000 Genomes Project 30x 0.00062.
gnomAD v4.1: 161 of 1,612,826 alleles (0.01%); highest among the groups gnomAD compares: African/African-American, 0.2%; no homozygotes.

Submissions (2):

Illumina Laboratory Services, Illumina
Classification: Uncertain significance for Smith-Lemli-Opitz syndrome. Last evaluated: 2018-01-12. Review status: criteria provided, single submitter. Criteria: ICSL Variant Classification Criteria 13 December 2019. Collection method: clinical testing. Allele origin: germline.

PreventionGenetics, part of Exact Sciences
Classification: Likely benign for DHCR7-related condition. Last evaluated: 2021-07-06. Review status: no assertion criteria provided. Collection method: clinical testing. Allele origin: germline. Not counted in ClinVar's aggregate classification.
Comment: This variant is classified as likely benign based on ACMG/AMP sequence variant interpretation guidelines (Richards et al. 2015 PMID: 25741868, with internal and published modifications).